The following is an entry in ClinVar:

ClinVar aggregate classification (germline): Benign/Likely benign. Review status: criteria provided, multiple submitters, no conflicts (2 of 4 stars). 13 submissions from 12 submitters: Benign (9); Likely benign (1). 3 of the submissions do not count toward it. Last evaluated 2026-02-03.

Conditions:
Senior-Loken syndrome 4 (SLSN4). Identifiers: Orphanet 3156, MedGen C1846979, MONDO:0011756, OMIM 606996.
Nephronophthisis 4 (NPHP4). Also called: NEPHRONOPHTHISIS 4, JUVENILE. Identifiers: Orphanet 655, MedGen C1847013, MONDO:0011752, OMIM 606966.
Kidney disorder. Also called: Kidney disease; Kidney Diseases; renal disorder; Nephropathy; renal disease. Identifiers: MedGen C0022658, MONDO:0005240, HP:0000112.
Nephronophthisis. Also called: Juvenile Nephronophthisis. Identifiers: Orphanet 655, MedGen C0687120, MONDO:0019005, HP:0000090.

Allele frequency attached by ClinVar (database versions not stated): ESP Exome Variant Server 0.04253; gnomAD 0.04382 and 0.04168; gnomAD exomes 0.02712 and 0.02915; ExAC 0.03231; 1000 Genomes Project 0.03834; 1000 Genomes Project 30x 0.03857; TOPMed 0.04188.
gnomAD v4.1: 46,131 of 1,613,662 alleles (2.9%); highest among the groups gnomAD compares: African/African-American, 8.9%; 922 homozygotes.

Submissions (13):

Labcorp Genetics (formerly Invitae), Labcorp
Classification: Benign for Nephronophthisis. Last evaluated: 2026-02-03. Review status: criteria provided, single submitter. Criteria: Invitae Variant Classification Sherloc (09022015). Collection method: clinical testing. Allele origin: germline.

Blueprint Genetics
Classification: Likely benign. Last evaluated: 2024-11-26. Review status: criteria provided, single submitter. Criteria: ACMG Guidelines, 2015. Collection method: clinical testing. Allele origin: germline.

Genome-Nilou Lab
Classification: Benign for Nephronophthisis 4. Last evaluated: 2023-04-11. Review status: criteria provided, single submitter. Criteria: ACMG Guidelines, 2015. Collection method: clinical testing. Allele origin: germline. Affected: no.

Mayo Clinic Laboratories, Mayo Clinic
Classification: Benign. Last evaluated: 2022-10-17. Review status: criteria provided, single submitter. Criteria: ACMG Guidelines, 2015. Collection method: clinical testing. Allele origin: germline. Observed: 58 variant alleles.

GeneDx
Classification: Benign. Last evaluated: 2021-05-04. Review status: criteria provided, single submitter. Criteria: GeneDx Variant Classification Process June 2021. Collection method: clinical testing. Allele origin: germline. Affected: yes.

Genome Diagnostics Laboratory, The Hospital for Sick Children
Classification: Benign for Kidney disorder. Last evaluated: 2018-07-01. Review status: criteria provided, single submitter. Criteria: ACMG Guidelines, 2015. Collection method: clinical testing. Allele origin: germline.

Illumina Laboratory Services, Illumina
Classification: Benign for Senior-Loken syndrome 4. Last evaluated: 2018-01-13. Review status: criteria provided, single submitter. Criteria: ICSL Variant Classification Criteria 13 December 2019. Collection method: clinical testing. Allele origin: germline.
Comment: This variant was observed in the ICSL laboratory as part of a predisposition screen in an ostensibly healthy population. It had not been previously curated by ICSL or reported in the Human Gene Mutation Database (HGMD: prior to June 1st, 2018), and was therefore a candidate for classification through an automated scoring system. Utilizing variant allele frequency, disease prevalence and penetrance estimates, and inheritance mode, an automated score was calculated to assess if this variant is too frequent to cause the disease. Based on the score and internal cut-off values, a variant classified as benign is not then subjected to further curation. The score for this variant resulted in a classification of benign for this disease.

Illumina Laboratory Services, Illumina
Classification: Benign for Nephronophthisis 4. Last evaluated: 2018-01-13. Review status: criteria provided, single submitter. Criteria: ICSL Variant Classification Criteria 13 December 2019. Collection method: clinical testing. Allele origin: germline.
Comment: the same text as in the submission from Illumina Laboratory Services, Illumina above.

Breakthrough Genomics
Classification: Benign. Review status: criteria provided, single submitter. Criteria: ACMG Guidelines, 2015. Collection method: not provided. Allele origin: germline. Inheritance: Autosomal recessive inheritance. Affected: yes.

PreventionGenetics, part of Exact Sciences
Classification: Benign. Review status: criteria provided, single submitter. Criteria: ACMG Guidelines, 2015. Collection method: clinical testing. Allele origin: germline.

Clinical Genetics DNA and cytogenetics Diagnostics Lab, Erasmus MC, Erasmus Medical Center
Classification: Benign. Review status: no assertion criteria provided. Collection method: clinical testing. Allele origin: germline. Affected: yes. Study: VKGL Data-share Consensus. Not counted in ClinVar's aggregate classification.

Genome Diagnostics Laboratory, University Medical Center Utrecht
Classification: Benign. Review status: no assertion criteria provided. Collection method: clinical testing. Allele origin: germline. Affected: yes. Study: VKGL Data-share Consensus. Not counted in ClinVar's aggregate classification.

Laboratory of Diagnostic Genome Analysis, Leiden University Medical Center (LUMC)
Classification: Likely benign. Review status: no assertion criteria provided. Collection method: clinical testing. Allele origin: germline. Affected: yes. Study: VKGL Data-share Consensus. Not counted in ClinVar's aggregate classification.

NM_015102.5(NPHP4):c.86C>T (p.Thr29Met)

Gene: NPHP4 (nephrocystin 4; minus strand). Cytogenetic location: 1p36.31.
Variant type: single nucleotide variant.
Coding change: c.86C>T on transcript NM_015102.5 (MANE Select); coding-DNA position 86, C replaced by T.
Protein change: p.Thr29Met; replaces threonine 29 with methionine.
Molecular consequence: missense variant. On other transcripts: 5 prime UTR variant (1), non-coding transcript variant (1), intron variant (1).
Genome position (GRCh38, 1-based): chr1:5,986,204, G>A on the plus strand (C>T on the coding strand, the complement: NPHP4 is on the minus strand). VCF-style: chr1-5986204-G-A. GRCh37 (hg19) VCF-style: chr1-6046264-G-A.
Other names: c.-1144C>T (NM_001291593.2); c.-1088+6040C>T (NM_001291594.2); short protein forms T29M.
Identifiers: ClinVar variation 260561 (VCV000260561.26), dbSNP rs12142270, ClinGen allele CA554949.